The following is an entry in ClinVar:

NM_025179.4(PLXNA2):c.4459G>A (p.Glu1487Lys)

Gene: PLXNA2 (plexin A2; minus strand). Cytogenetic location: 1q32.2.
Variant type: single nucleotide variant.
Coding change: c.4459G>A on transcript NM_025179.4 (MANE Select); coding-DNA position 4459, G replaced by A.
Protein change: p.Glu1487Lys; replaces glutamic acid 1487 with lysine.
Molecular consequence: missense variant.
Genome position (GRCh38, 1-based): chr1:208,039,662, C>T on the plus strand (G>A on the coding strand, the complement: PLXNA2 is on the minus strand). VCF-style: chr1-208039662-C-T. GRCh37 (hg19) VCF-style: chr1-208213007-C-T.
Other names: short protein forms E1487K.
Identifiers: ClinVar variation 2636609 (VCV002636609.3), dbSNP rs771611862, ClinGen allele CA1372880.

ClinVar aggregate classification (germline): Uncertain significance (0 of 4 stars; one submission).

Conditions:
PLXNA2-related disorder. Also called: PLXNA2-related condition.

Allele frequency attached by ClinVar (database versions not stated): gnomAD exomes below 0.00001; TOPMed below 0.00001; ExAC 0.00001; gnomAD 0.00001.
gnomAD v4.1: 10 of 1,614,094 alleles (0.00062%); highest among the groups gnomAD compares: African/African-American, 0.004%; no homozygotes.

Submission:

PreventionGenetics, part of Exact Sciences
Classification: Uncertain significance for PLXNA2-related condition. Last evaluated: 2023-10-18. Review status: no assertion criteria provided. Collection method: clinical testing. Allele origin: germline.
Comment: The PLXNA2 c.4459G>A variant is predicted to result in the amino acid substitution p.Glu1487Lys. To our knowledge, this variant has not been reported in the literature. This variant is reported in 0.0062% of alleles in individuals of African descent in gnomAD. At this time, the clinical significance of this variant is uncertain due to the absence of conclusive functional and genetic evidence.